The following is an entry in ClinVar:

ClinVar aggregate classification (germline): Pathogenic (1 of 4 stars; one submission).

Conditions:
Arrhythmogenic cardiomyopathy with wooly hair and keratoderma. Also called: Arrhythmogenic cardiomyopathy with woolly hair and keratoderma; PALMOPLANTAR KERATODERMA WITH LEFT VENTRICULAR CARDIOMYOPATHY AND WOOLLY HAIR; Carvajal syndrome; Dilated cardiomyopathy with woolly hair and keratoderma. Identifiers: Orphanet 65282, MedGen C1854063, MONDO:0011581, OMIM 605676.
Arrhythmogenic right ventricular dysplasia 8 (ARVD8). Also called: Arrhythmogenic Right Ventricular Dysplasia/Cardiomyopathy 8; ARRHYTHMOGENIC RIGHT VENTRICULAR DYSPLASIA, FAMILIAL, 8; ARRHYTHMOGENIC RIGHT VENTRICULAR CARDIOMYOPATHY 8. Identifiers: MedGen C1843896, MONDO:0011831, OMIM 607450.

Submission:

Labcorp Genetics (formerly Invitae), Labcorp
Classification: Pathogenic for Arrhythmogenic cardiomyopathy with wooly hair and keratoderma; Arrhythmogenic right ventricular dysplasia 8. Last evaluated: 2024-02-01. Review status: criteria provided, single submitter. Criteria: Invitae Variant Classification Sherloc (09022015). Collection method: clinical testing. Allele origin: germline.
Comment: This sequence change creates a premature translational stop signal (p.Gln1276*) in the DSP gene. It is expected to result in an absent or disrupted protein product. Loss-of-function variants in DSP are known to be pathogenic (PMID: 20716751, 24503780, 25227139). This variant is not present in population databases (gnomAD no frequency). This variant has not been reported in the literature in individuals affected with DSP-related conditions. For these reasons, this variant has been classified as Pathogenic.

Literature cited by the submitters: PubMed 20716751; PubMed 24503780; PubMed 25227139.

NM_004415.4(DSP):c.3826C>T (p.Gln1276Ter)

Gene: DSP (desmoplakin; plus strand). Cytogenetic location: 6p24.3.
Variant type: single nucleotide variant.
Coding change: c.3826C>T on transcript NM_004415.4 (MANE Select); coding-DNA position 3826, C replaced by T.
Protein change: p.Gln1276Ter; replaces glutamine 1276 with a stop codon.
Molecular consequence: nonsense. On other transcripts: intron variant (1).
Genome position (GRCh38, 1-based): chr6:7,580,016, C>T. VCF-style: chr6-7580016-C-T. GRCh37 (hg19) VCF-style: chr6-7580249-C-T.
Other names: c.3826C>T, p.Gln1276Ter (NM_001319034.2); c.3582+244C>T (NM_001008844.3); short protein forms Q1276*.
Identifiers: ClinVar variation 2944120 (VCV002944120.3), dbSNP rs1487309339, ClinGen allele CA362684938.
Genomic context (GRCh38, chr6:7,580,016, plus strand): 5'-CTCAATGACAGCATCTTGCAGGCCACTGAGCAGCGAAGGCGAGCTGAAGAAAACGCCCTT[C>T]AGCAAAAGGCCTGTGGCTCTGAGATAATGCAGAAGAAGCAGCATCTGGAGATAGAACTGA-3'